The following is an entry in ClinVar:

ClinVar aggregate classification (germline): Uncertain significance (1 of 4 stars; one submission).

Conditions:
Intellectual developmental disorder, autosomal dominant 6, with or without seizures. Also called: Intellectual disability, autosomal dominant 6; GRIN2B-related developmental delay, intellectual disability and autism spectrum disorder. Identifiers: Orphanet 589547, MedGen C3151411, MONDO:0013509, OMIM 613970.
Developmental and epileptic encephalopathy, 27 (DEE27). Also called: Epileptic encephalopathy, early infantile, 27; GRIN2B-Related Neurodevelopmental Disorder. Identifiers: Orphanet 3451, MedGen C4015316, MONDO:0014505, OMIM 616139.

Allele frequency attached by ClinVar (database versions not stated): gnomAD exomes below 0.00001.
gnomAD v4.1: 1 of 1,613,932 alleles (0.000062%); highest among the groups gnomAD compares: Non-Finnish European, 0.000085%; no homozygotes.

Submission:

Labcorp Genetics (formerly Invitae), Labcorp
Classification: Uncertain significance for Developmental and epileptic encephalopathy, 27; Intellectual developmental disorder, autosomal dominant 6, with or without seizures. Last evaluated: 2019-08-08. Review status: criteria provided, single submitter. Criteria: Invitae Variant Classification Sherloc (09022015). Collection method: clinical testing. Allele origin: germline.
Comment: In summary, the available evidence is currently insufficient to determine the role of this variant in disease. Therefore, it has been classified as a Variant of Uncertain Significance. Algorithms developed to predict the effect of missense changes on protein structure and function are either unavailable or do not agree on the potential impact of this missense change (SIFT: "Tolerated"; PolyPhen-2: "Probably Damaging"; Align-GVGD: "Class C0"). This variant has not been reported in the literature in individuals with GRIN2B-related conditions. This variant is not present in population databases (ExAC no frequency). This sequence change replaces proline with serine at codon 66 of the GRIN2B protein (p.Pro66Ser). The proline residue is moderately conserved and there is a moderate physicochemical difference between proline and serine.

NM_000834.5(GRIN2B):c.196C>T (p.Pro66Ser)

Gene: GRIN2B (glutamate ionotropic receptor NMDA type subunit 2B; minus strand). Cytogenetic location: 12p13.1.
Variant type: single nucleotide variant.
Coding change: c.196C>T on transcript NM_000834.5 (MANE Select); coding-DNA position 196, C replaced by T.
Protein change: p.Pro66Ser; replaces proline 66 with serine.
Molecular consequence: missense variant.
Genome position (GRCh38, 1-based): chr12:13,866,013, G>A on the plus strand (C>T on the coding strand, the complement: GRIN2B is on the minus strand). VCF-style: chr12-13866013-G-A. GRCh37 (hg19) VCF-style: chr12-14018947-G-A.
Other names: short protein forms P66S.
Identifiers: ClinVar variation 958187 (VCV000958187.10), dbSNP rs1865821300, ClinGen allele CA384054526.